The following is an entry in ClinVar:

ClinVar aggregate classification (germline): Likely benign (0 of 4 stars; one submission).

Conditions:
SLC5A2-related disorder. Also called: SLC5A2-related condition.

Allele frequency attached by ClinVar (database versions not stated): ExAC 0.00002; gnomAD exomes 0.00002; TOPMed 0.00003; gnomAD 0.00005; ESP Exome Variant Server 0.00023.
gnomAD v4.1: 36 of 1,610,790 alleles (0.0022%); highest among the groups gnomAD compares: Non-Finnish European, 0.003%; no homozygotes.

Submission:

PreventionGenetics, part of Exact Sciences
Classification: Likely benign for SLC5A2-related condition. Last evaluated: 2019-04-10. Review status: no assertion criteria provided. Collection method: clinical testing. Allele origin: germline.
Comment: This variant is classified as likely benign based on ACMG/AMP sequence variant interpretation guidelines (Richards et al. 2015 PMID: 25741868, with internal and published modifications).

NM_003041.4(SLC5A2):c.1022-4G>A

Gene: SLC5A2 (solute carrier family 5 member 2; plus strand). Cytogenetic location: 16p11.2.
Variant type: single nucleotide variant.
Coding change: c.1022-4G>A on transcript NM_003041.4 (MANE Select); 4 bases into the intron before coding-DNA position 1022, G replaced by A.
Molecular consequence: intron variant.
Genome position (GRCh38, 1-based): chr16:31,488,379, G>A. VCF-style: chr16-31488379-G-A. GRCh37 (hg19) VCF-style: chr16-31499700-G-A.
Identifiers: ClinVar variation 3058571 (VCV003058571.2), dbSNP rs377704962, ClinGen allele CA8030963.
Genomic context (GRCh38, chr16:31,488,379, plus strand): 5'-CCCCACCTCCTGGGATTCCCAGACCAGGCCCCGTCCTAACGGCGCGGTGGCCTCTCTCTG[G>A]CAGACGAGGTGGCGTGCGTGGTGCCTGAGGTGTGCAGGCGCGTGTGCGGCACGGAGGTGG-3'